The following is an entry in ClinVar:

ClinVar aggregate classification (germline): Likely pathogenic (1 of 4 stars; one submission).

Conditions:
Hereditary cancer-predisposing syndrome. Also called: Hereditary neoplastic syndrome; Neoplastic Syndromes, Hereditary; Tumor predisposition; Hereditary Cancer Syndrome. Identifiers: Orphanet 140162, MedGen C0027672, MeSH D009386, MONDO:0015356.

Submission:

Ambry Genetics
Classification: Likely pathogenic for Hereditary cancer-predisposing syndrome. Last evaluated: 2022-10-14. Review status: criteria provided, single submitter. Criteria: Ambry Variant Classification Scheme 2023. Collection method: clinical testing. Allele origin: germline.
Comment: The c.6451A>C variant (also known as p.R2151R), located in coding exon 43 of the ATM gene, results from an A to C substitution at nucleotide position 6451. This nucleotide substitution does not change the at codon 2151. However, this change occurs in the base pair of coding exon 43, which makes it likely to have some effect on normal mRNA splicing. RNA studies have demonstrated that this alteration results in abnormal splicing in the set of samples tested (Ambry internal data). Based on the majority of available evidence to date, this variant is likely to be pathogenic.

NM_000051.4(ATM):c.6451A>C (p.Arg2151=)

Genes: ATM (ATM serine/threonine kinase; plus strand), C11orf65 (chromosome 11 open reading frame 65; minus strand). Cytogenetic location: 11q22.3.
Variant type: single nucleotide variant.
Coding change: c.6451A>C on transcript NM_000051.4 (MANE Select); coding-DNA position 6451, A replaced by C.
Protein change: p.Arg2151=; no amino-acid change (arginine 2151 retained).
Molecular consequence: synonymous variant. On other transcripts: intron variant (2).
Genome position (GRCh38, 1-based): chr11:108,320,057, A>C. VCF-style: chr11-108320057-A-C. GRCh37 (hg19) VCF-style: chr11-108190784-A-C.
Other names: c.6451A>C, p.Arg2151= (NM_001351834.2); c.641-10986T>G (NM_001330368.2); c.*39-10986T>G (NM_001351110.2).
Identifiers: ClinVar variation 1753608 (VCV001753608.2), dbSNP rs2547148186, ClinGen allele CA476676113.
Genomic context (GRCh38, chr11:108,320,057, plus strand): 5'-GCTCTACAATCTCTAAGAGACAGAGAATTCTCTACATTTTATGAAAGTCTCAAATATGCC[A>C]GGTATTATGAAAAGACAAAGTTACTGTATTTTAACATTTAATGTCATGGCTTCTTTTCTG-3'
Protein context (NP_000042.3, residues 2141-2161): STFYESLKYA[Arg2151=]VKEVEEMCKR